The following is an entry in ClinVar:

NM_014339.7(IL17RA):c.1354C>T (p.Arg452Cys)

Gene: IL17RA (interleukin 17 receptor A; plus strand). Cytogenetic location: 22q11.1.
Variant type: single nucleotide variant.
Coding change: c.1354C>T on transcript NM_014339.7 (MANE Select); coding-DNA position 1354, C replaced by T.
Protein change: p.Arg452Cys; replaces arginine 452 with cysteine.
Molecular consequence: missense variant.
Genome position (GRCh38, 1-based): chr22:17,108,573, C>T. VCF-style: chr22-17108573-C-T. GRCh37 (hg19) VCF-style: chr22-17589463-C-T.
Other names: c.1252C>T, p.Arg418Cys (NM_001289905.2); short protein forms R452C, R418C.
Identifiers: ClinVar variation 580447 (VCV000580447.8), dbSNP rs771869327, ClinGen allele CA10086724.

ClinVar aggregate classification (germline): Uncertain significance (1 of 4 stars; one submission).

Conditions:
Immunodeficiency 51 (IMD51). Also called: CANDIDIASIS, FAMILIAL, 5. Identifiers: Orphanet 1334, MedGen C4310803, MONDO:0013500, OMIM 613953.

Allele frequency attached by ClinVar (database versions not stated): ExAC 0.00001; gnomAD 0.00001; gnomAD exomes 0.00001; TOPMed 0.00001.
gnomAD v4.1: 9 of 1,606,480 alleles (0.00056%); highest among the groups gnomAD compares: Admixed American, 0.0067%; no homozygotes.

Submission:

Labcorp Genetics (formerly Invitae), Labcorp
Classification: Uncertain significance for Immunodeficiency 51. Last evaluated: 2022-05-07. Review status: criteria provided, single submitter. Criteria: Invitae Variant Classification Sherloc (09022015). Collection method: clinical testing. Allele origin: germline.
Comment: This sequence change replaces arginine, which is basic and polar, with cysteine, which is neutral and slightly polar, at codon 452 of the IL17RA protein (p.Arg452Cys). This variant is present in population databases (rs771869327, gnomAD 0.004%). This variant has not been reported in the literature in individuals affected with IL17RA-related conditions. ClinVar contains an entry for this variant (Variation ID: 580447). Algorithms developed to predict the effect of missense changes on protein structure and function are either unavailable or do not agree on the potential impact of this missense change (SIFT: "Deleterious"; PolyPhen-2: "Benign"; Align-GVGD: "Class C35"). Algorithms developed to predict the effect of sequence changes on RNA splicing suggest that this variant may create or strengthen a splice site. In summary, the available evidence is currently insufficient to determine the role of this variant in disease. Therefore, it has been classified as a Variant of Uncertain Significance.